The following is an entry in ClinVar:

ClinVar aggregate classification (germline): Uncertain significance. Review status: criteria provided, multiple submitters, no conflicts (2 of 4 stars). 5 submissions from 4 submitters: Uncertain significance (4). 1 of the submissions does not count toward it. Last evaluated 2024-03-02.

Conditions:
Retinitis pigmentosa 39 (RP39). Identifiers: Orphanet 791, MedGen C3151138, MONDO:0013436, OMIM 613809.
Usher syndrome type 2A. Also called: RETINAL DISEASE IN USHER SYNDROME TYPE IIA, MODIFIER OF; USHER SYNDROME, TYPE IIA. Identifiers: Orphanet 231178, Orphanet 886, MedGen C1848634, MONDO:0010169, OMIM 276901.

gnomAD v4.1: 13 of 1,614,096 alleles (0.00081%); highest among the groups gnomAD compares: Admixed American, 0.005%; no homozygotes.

Submissions (5):

Labcorp Genetics (formerly Invitae), Labcorp
Classification: Uncertain significance. Last evaluated: 2024-03-02. Review status: criteria provided, single submitter. Criteria: Invitae Variant Classification Sherloc (09022015). Collection method: clinical testing. Allele origin: germline.
Comment: This sequence change replaces arginine, which is basic and polar, with leucine, which is neutral and non-polar, at codon 4187 of the USH2A protein (p.Arg4187Leu). This variant is present in population databases (rs147304271, gnomAD 0.006%). This variant has not been reported in the literature in individuals affected with USH2A-related conditions. ClinVar contains an entry for this variant (Variation ID: 229618). Advanced modeling of protein sequence and biophysical properties (such as structural, functional, and spatial information, amino acid conservation, physicochemical variation, residue mobility, and thermodynamic stability) performed at Invitae indicates that this missense variant is not expected to disrupt USH2A protein function with a negative predictive value of 95%. This variant disrupts the p.Arg4187 amino acid residue in USH2A. Other variant(s) that disrupt this residue have been determined to be pathogenic (PMID: 24938718, 32188678). This suggests that this residue is clinically significant, and that variants that disrupt this residue are likely to be disease-causing. In summary, the available evidence is currently insufficient to determine the role of this variant in disease. Therefore, it has been classified as a Variant of Uncertain Significance.

Genome-Nilou Lab
Classification: Uncertain significance for Retinitis pigmentosa 39. Last evaluated: 2023-11-04. Review status: criteria provided, single submitter. Criteria: ACMG Guidelines, 2015. Collection method: clinical testing. Allele origin: germline. Affected: no.

Genome-Nilou Lab
Classification: Uncertain significance for Usher syndrome type 2A. Last evaluated: 2023-11-04. Review status: criteria provided, single submitter. Criteria: ACMG Guidelines, 2015. Collection method: clinical testing. Allele origin: germline. Affected: no.

Laboratory for Molecular Medicine, Mass General Brigham Personalized Medicine
Classification: Uncertain significance. Last evaluated: 2015-03-02. Review status: criteria provided, single submitter. Criteria: LMM Criteria. Collection method: clinical testing. Allele origin: germline. Observed: 1 variant allele.
Comment: The p.Arg4187Leu variant in USH2A has not been previously reported in individual s with hearing loss. This variant has been identified in 1/11530 Latino chromos omes by the Exome Aggregation Consortium (ExAC; dbSNP rs147304271. Although this variant has been seen in the general populatio n, its frequency is not high enough to rule out a pathogenic role. Computationa l prediction tools and conservation analyses do not provide strong support for o r against an impact to the protein. In summary, the clinical significance of the p.Arg4187Leu variant is uncertain.

Natera, Inc.
Classification: Uncertain significance for Usher syndrome type 2A. Last evaluated: 2019-11-11. Review status: no assertion criteria provided. Collection method: clinical testing. Allele origin: germline. Not counted in ClinVar's aggregate classification.

Literature cited by the submitters: PubMed 24938718 (cited by Labcorp Genetics (formerly Invitae), Labcorp); PubMed 32188678 (cited by Labcorp Genetics (formerly Invitae), Labcorp).

NM_206933.4(USH2A):c.12560G>T (p.Arg4187Leu)

Gene: USH2A (usherin; minus strand). Cytogenetic location: 1q41.
Variant type: single nucleotide variant.
Coding change: c.12560G>T on transcript NM_206933.4 (MANE Select); coding-DNA position 12560, G replaced by T.
Protein change: p.Arg4187Leu; replaces arginine 4187 with leucine.
Molecular consequence: missense variant.
Genome position (GRCh38, 1-based): chr1:215,675,351, C>A on the plus strand (G>T on the coding strand, the complement: USH2A is on the minus strand). VCF-style: chr1-215675351-C-A. GRCh37 (hg19) VCF-style: chr1-215848693-C-A.
Other names: short protein forms R4187L.
Identifiers: ClinVar variation 229618 (VCV000229618.15), dbSNP rs147304271, ClinGen allele CA1393451.
Genomic context (GRCh38, chr1:215,675,351, plus strand): 5'-GCCTGGATTGTCTGATTTCCCCAAGCTTTTCCCTCGAAGCATCTGCGAATCACTTCATAG[C>A]GAATTATTTTTCCATTTGGGTTAACAGGCTCAGACCAGCTCAGCTCAACACTGGTGGACT-3'
Protein context (NP_996816.3, residues 4177-4197): EPVNPNGKII[Arg4187Leu]YEVIRRCFEG